The following is an entry in ClinVar:

ClinVar aggregate classification (germline): Likely pathogenic (1 of 4 stars; one submission).

Conditions:
Dilated cardiomyopathy 1G (CMD1G). Identifiers: Orphanet 154, MedGen C1858763, MONDO:0011400, OMIM 604145.
Hypertrophic cardiomyopathy 9. Also called: Familial hypertrophic cardiomyopathy 9. Identifiers: MedGen C1861065, MONDO:0013412, OMIM 613765.
Early-onset myopathy with fatal cardiomyopathy (CMYO5). Also called: Salih Myopathy; CONGENITAL MYOPATHY 5 WITH CARDIOMYOPATHY. Identifiers: Orphanet 289377, MedGen C2673677, MONDO:0012714, OMIM 611705. Disease mechanism: loss of function.
Tibial muscular dystrophy (TMD). Also called: Tibial muscular dystrophy, tardive; Udd Distal Myopathy – Tibial Muscular Dystrophy; UDD MYOPATHY. Identifiers: Orphanet 609, MedGen C1838244, MONDO:0010870, OMIM 600334.
Autosomal recessive limb-girdle muscular dystrophy type 2J (LGMDR10). Also called: MUSCULAR DYSTROPHY, LIMB-GIRDLE, AUTOSOMAL RECESSIVE 10; Limb-girdle muscular dystrophy, type 2J. Identifiers: Orphanet 140922, MedGen C1837342, MONDO:0012127, OMIM 608807.
Myopathy, myofibrillar, 9, with early respiratory failure (MFM9). Also called: EDSTROM MYOPATHY; Myopathy, distal, with early respiratory failure, autosomal dominant; Hereditary myopathy with early respiratory failure; MYOPATHY, PROXIMAL, WITH EARLY RESPIRATORY MUSCLE INVOLVEMENT. Identifiers: Orphanet 178464, Orphanet 34521, MedGen C1863599, MONDO:0011362, OMIM 603689.

Submission:

Juno Genomics, Hangzhou Juno Genomics, Inc
Classification: Likely pathogenic for Early-onset myopathy with fatal cardiomyopathy; Dilated cardiomyopathy 1G; Hypertrophic cardiomyopathy 9; Autosomal recessive limb-girdle muscular dystrophy type 2J; Myopathy, myofibrillar, 9, with early respiratory failure; Tibial muscular dystrophy. Review status: criteria provided, single submitter. Criteria: ACMG Guidelines, 2015. Collection method: clinical testing. Allele origin: germline.
Comment: Absent from controls (or at extremely low frequency if recessive) in Genome Aggregation Database.;Null variant in a gene where loss of function (LOF) is a known mechanism of disease.

NM_001267550.2(TTN):c.48930_48937del (p.Pro16311fs)

Genes: TTN (titin; minus strand), TTN-AS1 (TTN antisense RNA 1; plus strand), LOC126806426 (BRD4-independent group 4 enhancer GRCh37_chr2:179478848-179480047; plus strand). Cytogenetic location: 2q31.2.
Variant type: Deletion.
Coding change: c.48930_48937del on transcript NM_001267550.2 (MANE Select); coding-DNA positions 48930 to 48937, 8 bases deleted (CCCTAAGA; older notation c.48930_48937delCCCTAAGA).
Protein change: p.Pro16311fs; shifts the reading frame from proline 16311.
Molecular consequence: frameshift variant. On other transcripts: non-coding transcript variant (1).
Genome position (GRCh38, 1-based): chr2:178,614,577-178,614,584, TCTTAGGG deleted on the plus strand (CCCTAAGA on the coding strand, the reverse complement: TTN is on the minus strand). VCF-style (leftmost placement, unchanged base first): chr2-178614576-TTCTTAGGG-T. GRCh37 (hg19) VCF-style: chr2-179479303-TTCTTAGGG-T.
Other names: c.44007_44014del, p.Pro14670fs (NM_001256850.1); c.21735_21742del, p.Pro7246fs (NM_003319.4); c.41226_41233del, p.Pro13743fs (NM_133378.4); c.22110_22117del, p.Pro7371fs (NM_133432.3); c.22311_22318del, p.Pro7438fs (NM_133437.4); short protein forms P13743fs, P14670fs, P16311fs, P7246fs, P7371fs, P7438fs.
Identifiers: ClinVar variation 3382061 (VCV003382061.3).